The following is an entry in ClinVar:

NM_001356.5(DDX3X):c.766-9_766-6del

Gene: DDX3X (DEAD-box helicase 3 X-linked; plus strand). Cytogenetic location: Xp11.4.
Variant type: Deletion.
Coding change: c.766-9_766-6del on transcript NM_001356.5 (MANE Select); 9 bases into the intron before coding-DNA position 766 through 6 bases into the intron before coding-DNA position 766, 4 bases deleted (ATTT; older notation c.766-9_766-6delATTT).
Molecular consequence: intron variant.
Genome position (GRCh38, 1-based): chrX:41,344,021-41,344,024, ATTT deleted; deleting any 4 consecutive bases within chrX:41,344,019-41,344,024 gives the same sequence; the c. name uses the placement nearest the transcript's 3' end. VCF-style (leftmost placement, unchanged base first): chrX-41344018-CTTAT-C. GRCh37 (hg19) VCF-style: chrX-41203271-CTTAT-C.
Other names: c.766-9_766-6del (NM_001193416.3); c.718-9_718-6del (NM_001193417.3); c.208-9_208-6del (NM_001363819.1).
Identifiers: ClinVar variation 4976697 (VCV004976697.1).

ClinVar aggregate classification (germline): Uncertain significance (1 of 4 stars; one submission).

Submission:

GeneDx
Classification: Uncertain significance. Last evaluated: 2026-03-03. Review status: criteria provided, single submitter. Criteria: GeneDx Variant Classification Process June 2021. Collection method: clinical testing. Allele origin: germline.
Comment: Not observed at significant frequency in large population cohorts (gnomAD); In silico analysis is inconclusive as to whether the variant alters gene splicing. In the absence of RNA/functional studies, the actual effect of this sequence change is unknown.; Has not been previously published as pathogenic or benign to our knowledge